The following is an entry in ClinVar:

ClinVar aggregate classification (germline): Uncertain significance (1 of 4 stars; one submission).

gnomAD v4.1: 256 of 1,570,916 alleles (0.016%); highest among the groups gnomAD compares: African/African-American, 0.32%; no homozygotes.

Submission:

Dasa
Classification: Uncertain significance. Last evaluated: 2026-03-09. Review status: criteria provided, single submitter. Criteria: DASA Assertion Criteria. Collection method: clinical testing. Allele origin: germline.
Comment: NM_018995.3(MOV10L1):c.1455-7T>G is a splice-region variant. This variant is rare in population databases. The currently available literature and clinical evidence are not sufficient to establish a definitive association between this variant and the reported condition. Therefore, this variant is classified as a variant of uncertain significance.

NM_018995.3(MOV10L1):c.1455-7T>G

Gene: MOV10L1 (Mov10 like RNA helicase 1; plus strand). Cytogenetic location: 22q13.33.
Variant type: single nucleotide variant.
Coding change: c.1455-7T>G on transcript NM_018995.3 (MANE Select); 7 bases into the intron before coding-DNA position 1455, T replaced by G.
Molecular consequence: intron variant.
Genome position (GRCh38, 1-based): chr22:50,120,495, T>G. VCF-style: chr22-50120495-T-G. GRCh37 (hg19) VCF-style: chr22-50558924-T-G.
Other names: c.1395-7T>G (NM_001164105.2); c.1455-7T>G (NM_001164104.2).
Identifiers: ClinVar variation 4852720 (VCV004852720.2).